The following is an entry in ClinVar:

ClinVar aggregate classification (germline): Uncertain significance. Review status: criteria provided, multiple submitters, no conflicts (2 of 4 stars). 4 submissions from 4 submitters: Uncertain significance (3). 1 of the submissions does not count toward it. Last evaluated 2023-12-09.

Conditions:
Inborn genetic diseases. Identifiers: MedGen C0950123, MeSH D030342.
Holocarboxylase synthetase deficiency. Also called: MULTIPLE CARBOXYLASE DEFICIENCY, EARLY ONSET. Identifiers: Orphanet 79242, MedGen C0268581, MONDO:0009666, OMIM 253270.

Allele frequency attached by ClinVar (database versions not stated): ExAC 0.00001; gnomAD exomes 0.00001; gnomAD 0.00007; ESP Exome Variant Server 0.00008; TOPMed 0.00019.
gnomAD v4.1: 45 of 1,613,780 alleles (0.0028%); highest among the groups gnomAD compares: Admixed American, 0.028%; no homozygotes.

Submissions (4):

Ambry Genetics
Classification: Uncertain significance for Inborn genetic diseases. Last evaluated: 2023-12-09. Review status: criteria provided, single submitter. Criteria: Ambry Variant Classification Scheme 2023. Collection method: clinical testing. Allele origin: germline.

Labcorp Genetics (formerly Invitae), Labcorp
Classification: Uncertain significance for Holocarboxylase synthetase deficiency. Last evaluated: 2022-08-23. Review status: criteria provided, single submitter. Criteria: Invitae Variant Classification Sherloc (09022015). Collection method: clinical testing. Allele origin: germline.
Comment: This sequence change replaces valine, which is neutral and non-polar, with isoleucine, which is neutral and non-polar, at codon 687 of the HLCS protein (p.Val687Ile). This variant is not present in population databases (gnomAD no frequency). This variant has not been reported in the literature in individuals affected with HLCS-related conditions. ClinVar contains an entry for this variant (Variation ID: 203771). Advanced modeling of protein sequence and biophysical properties (such as structural, functional, and spatial information, amino acid conservation, physicochemical variation, residue mobility, and thermodynamic stability) performed at Invitae indicates that this missense variant is not expected to disrupt HLCS protein function. In summary, the available evidence is currently insufficient to determine the role of this variant in disease. Therefore, it has been classified as a Variant of Uncertain Significance.

GeneDx
Classification: Uncertain significance. Last evaluated: 2014-08-06. Review status: criteria provided, single submitter. Criteria: GeneDx Variant Classification (06012015). Collection method: clinical testing. Allele origin: germline. Affected: yes.
Comment: Mutations in the HLCS gene are associated with the autosomal recessive disorder holocarboxylase synthetase deficiency. The V687I variant has not been published as a mutation, nor has it been reported as a benign polymorphism to our knowledge. The V687I variant is a conservative amino acid substitution, which is not likely to impact secondary protein structure as these residues share similar properties. This substitution occurs at a position that is conserved across species. In silico analysis predicts this variant likely does not alter the protein structure/function. Therefore, based on the currently available information, it is unclear whether this variant is a pathogenic mutation or a rare benign variant. The variant is found in MITONUC-MITOP panel(s).

Natera, Inc.
Classification: Uncertain significance for Holocarboxylase synthetase deficiency. Last evaluated: 2020-03-17. Review status: no assertion criteria provided. Collection method: clinical testing. Allele origin: germline. Not counted in ClinVar's aggregate classification.

NM_001352514.2(HLCS):c.2500G>A (p.Val834Ile)

Gene: HLCS (holocarboxylase synthetase; minus strand). Cytogenetic location: 21q22.13.
Variant type: single nucleotide variant.
Coding change: c.2500G>A on transcript NM_001352514.2 (MANE Select); coding-DNA position 2500, G replaced by A.
Protein change: p.Val834Ile; replaces valine 834 with isoleucine.
Molecular consequence: missense variant. On other transcripts: non-coding transcript variant (2).
Genome position (GRCh38, 1-based): chr21:36,754,368, C>T on the plus strand (G>A on the coding strand, the complement: HLCS is on the minus strand). VCF-style: chr21-36754368-C-T. GRCh37 (hg19) VCF-style: chr21-38126669-C-T.
Other names: p.V687I:GTT>ATT; c.2059G>A, p.Val687Ile (NM_000411.8, NM_001242784.3, NM_001242785.2 and 4 more transcripts); short protein forms V687I, V834I.
Identifiers: ClinVar variation 203771 (VCV000203771.6), dbSNP rs145648338, ClinGen allele CA312624.